The following is an entry in ClinVar:

ClinVar aggregate classification (germline): Likely benign. Review status: criteria provided, multiple submitters, no conflicts (2 of 4 stars). 3 submissions from 3 submitters: Likely benign (3). Last evaluated 2026-08-26.

Conditions:
STAT1-related disorder. Also called: STAT1-related condition.
Immunodeficiency 31B. Also called: STAT1 DEFICIENCY, AUTOSOMAL RECESSIVE; IMMUNODEFICIENCY 31B, MYCOBACTERIAL AND VIRAL INFECTIONS, AUTOSOMAL RECESSIVE. Identifiers: Orphanet 391311, MedGen C3151088, MONDO:0013427, OMIM 613796.
Autoimmune enteropathy and endocrinopathy - susceptibility to chronic infections syndrome. Also called: Immunodeficiency 31C, autosomal dominant; Immunodeficiency 31C. Identifiers: Orphanet 391487, MedGen C3279990, MONDO:0013599, OMIM 614162.
Mendelian susceptibility to mycobacterial diseases due to partial STAT1 deficiency. Also called: IMMUNODEFICIENCY 31A, MYCOBACTERIOSIS, AUTOSOMAL DOMINANT; STAT1 DEFICIENCY, AUTOSOMAL DOMINANT; Immunodeficiency 31a. Identifiers: Orphanet 319595, MedGen C4013950, MONDO:0013956, OMIM 614892.

Allele frequency attached by ClinVar (database versions not stated): gnomAD 0.00001 and 0.00002; gnomAD exomes 0.00001 and 0.00002; ExAC 0.00002; TOPMed 0.00002.
gnomAD v4.1: 14 of 1,614,072 alleles (0.00087%); highest among the groups gnomAD compares: East Asian, 0.0045%; no homozygotes.

Submissions (3):

PreventionGenetics, part of Exact Sciences
Classification: Likely benign for STAT1-related condition. Last evaluated: 2026-08-26. Review status: criteria provided, single submitter. Criteria: ACMG Guidelines, 2015. Collection method: clinical testing. Allele origin: germline.
Comment: This variant is classified as likely benign based on ACMG/AMP sequence variant interpretation guidelines (Richards et al. 2015 PMID: 25741868, with internal and published modifications).

Labcorp Genetics (formerly Invitae), Labcorp
Classification: Likely benign for Mendelian susceptibility to mycobacterial diseases due to partial STAT1 deficiency; Immunodeficiency 31B; Autoimmune enteropathy and endocrinopathy - susceptibility to chronic infections syndrome. Last evaluated: 2025-10-10. Review status: criteria provided, single submitter. Criteria: Invitae Variant Classification Sherloc (09022015). Collection method: clinical testing. Allele origin: germline.

Blueprint Genetics
Classification: Likely benign. Last evaluated: 2024-11-05. Review status: criteria provided, single submitter. Criteria: ACMG Guidelines, 2015. Collection method: clinical testing. Allele origin: germline.

NM_007315.4(STAT1):c.1599C>T (p.Pro533=)

Gene: STAT1 (signal transducer and activator of transcription 1; minus strand). Cytogenetic location: 2q32.2.
Variant type: single nucleotide variant.
Coding change: c.1599C>T on transcript NM_007315.4 (MANE Select); coding-DNA position 1599, C replaced by T.
Protein change: p.Pro533=; no amino-acid change (proline 533 retained).
Molecular consequence: synonymous variant.
Genome position (GRCh38, 1-based): chr2:190,980,653, G>A on the plus strand (C>T on the coding strand, the complement: STAT1 is on the minus strand). VCF-style: chr2-190980653-G-A. GRCh37 (hg19) VCF-style: chr2-191845379-G-A.
Other names: c.1539C>T, p.Pro513= (NM_001384880.1); c.1605C>T, p.Pro535= (NM_001384881.1, NM_001384884.1); c.1593C>T, p.Pro531= (NM_001384882.1); c.1500C>T, p.Pro500= (NM_001384883.1); c.1440C>T, p.Pro480= (NM_001384885.1); c.1599C>T, p.Pro533= (NM_001384886.1, NM_001384889.1, NM_139266.3); c.1506C>T, p.Pro502= (NM_001384887.1); c.1569C>T, p.Pro523= (NM_001384888.1); and 3 more.
Identifiers: ClinVar variation 1595193 (VCV001595193.10), dbSNP rs747857564, ClinGen allele CA2029880.